The following is an entry in ClinVar:

NM_006086.4(TUBB3):c.1271A>C (p.Gln424Pro)

Gene: TUBB3 (tubulin beta 3 class III; plus strand). Cytogenetic location: 16q24.3.
Variant type: single nucleotide variant.
Coding change: c.1271A>C on transcript NM_006086.4 (MANE Select); coding-DNA position 1271, A replaced by C.
Protein change: p.Gln424Pro; replaces glutamine 424 with proline.
Molecular consequence: missense variant.
Genome position (GRCh38, 1-based): chr16:89,935,722, A>C. VCF-style: chr16-89935722-A-C. GRCh37 (hg19) VCF-style: chr16-90002130-A-C.
Other names: c.1055A>C, p.Gln352Pro (NM_001197181.2); short protein forms Q352P, Q424P.
Identifiers: ClinVar variation 1708886 (VCV001708886.2), dbSNP rs2544628287, ClinGen allele CA397477119.
Genomic context (GRCh38, chr16:89,935,722, plus strand): 5'-ACGAGATGGAGTTCACCGAGGCCGAGAGCAACATGAACGACCTGGTGTCCGAGTACCAGC[A>C]GTACCAGGACGCCACGGCCGAGGAAGAGGGCGAGATGTACGAAGACGACGAGGAGGAGTC-3'
Protein context (NP_006077.2, residues 414-434): NMNDLVSEYQ[Gln424Pro]YQDATAEEEG

ClinVar aggregate classification (germline): Uncertain significance (1 of 4 stars; one submission).

Submission:

GeneDx
Classification: Uncertain significance. Last evaluated: 2022-04-05. Review status: criteria provided, single submitter. Criteria: GeneDx Variant Classification Process June 2021. Collection method: clinical testing. Allele origin: germline. Affected: yes.
Comment: Not observed at significant frequency in large population cohorts (gnomAD); Missense variants in this gene are often considered pathogenic (HGMD); In silico analysis supports that this missense variant has a deleterious effect on protein structure/function; Has not been previously published as pathogenic or benign to our knowledge